The following is an entry in ClinVar:

NM_015450.3(POT1):c.1506-8A>G

Gene: POT1 (protection of telomeres 1; minus strand). Cytogenetic location: 7q31.33.
Variant type: single nucleotide variant.
Coding change: c.1506-8A>G on transcript NM_015450.3 (MANE Select); 8 bases into the intron before coding-DNA position 1506, A replaced by G.
Molecular consequence: intron variant.
Genome position (GRCh38, 1-based): chr7:124,829,350, T>C on the plus strand (A>G on the coding strand, the complement: POT1 is on the minus strand). VCF-style: chr7-124829350-T-C. GRCh37 (hg19) VCF-style: chr7-124469404-T-C.
Other names: c.1113-8A>G (NM_001042594.2).
Identifiers: ClinVar variation 2749128 (VCV002749128.3), dbSNP rs2485352997, ClinGen allele CA2684719802.
Genomic context (GRCh38, chr7:124,829,350, plus strand): 5'-CAACCAGGGAATTTAGATTTTGTATGGATCTCAAACTAGAACACTGTTTACATCTGAAAT[T>C]TATAAAAGAAAGAACCATAAATATTTAAAAATAATTTAGCTTGTTTGTTATAACTTTTTA-3'

ClinVar aggregate classification (germline): Uncertain significance (1 of 4 stars; one submission).

Conditions:
Tumor predisposition syndrome 3 (TPDS3). Also called: Glioma susceptibility 9; Melanoma, cutaneous malignant, susceptibility to, 10; LONG TELOMERE SYNDROME, POT1-RELATED; POT1 Tumor Predisposition. Identifiers: Orphanet 618, MedGen C4014476, MONDO:0014368, OMIM 615848.

Submission:

Labcorp Genetics (formerly Invitae), Labcorp
Classification: Uncertain significance for Tumor predisposition syndrome 3. Last evaluated: 2023-05-30. Review status: criteria provided, single submitter. Criteria: Invitae Variant Classification Sherloc (09022015). Collection method: clinical testing. Allele origin: germline.
Comment: This sequence change falls in intron 15 of the POT1 gene. It does not directly change the encoded amino acid sequence of the POT1 protein. This variant is not present in population databases (gnomAD no frequency). This variant has not been reported in the literature in individuals affected with POT1-related conditions. RNA analysis provides insufficient evidence to determine the effect of this variant on POT1 splicing (Invitae). In summary, the available evidence is currently insufficient to determine the role of this variant in disease. Therefore, it has been classified as a Variant of Uncertain Significance.